The following is an entry in ClinVar:

ClinVar aggregate classification (germline): Pathogenic (1 of 4 stars; one submission).

Conditions:
Hereditary diffuse gastric adenocarcinoma (HDGC). Also called: DIFFUSE GASTRIC AND LOBULAR BREAST CANCER SYNDROME. Identifiers: Orphanet 26106, MedGen C1708349, MONDO:0007648, OMIM 137215.

Submission:

Myriad Genetics, Inc.
Classification: Pathogenic for Hereditary diffuse gastric adenocarcinoma. Last evaluated: 2023-06-14. Review status: criteria provided, single submitter. Criteria: Myriad Autosomal Dominant, Autosomal Recessive and X-Linked Classification Criteria (2023). Collection method: clinical testing. Allele origin: unknown.
Comment: This variant is considered pathogenic. This variant creates a termination codon and is predicted to result in premature protein truncation.

NM_004360.5(CDH1):c.1660G>T (p.Glu554Ter)

Gene: CDH1 (cadherin 1; plus strand). Cytogenetic location: 16q22.1.
Variant type: single nucleotide variant.
Coding change: c.1660G>T on transcript NM_004360.5 (MANE Select); coding-DNA position 1660, G replaced by T.
Protein change: p.Glu554Ter; replaces glutamic acid 554 with a stop codon.
Molecular consequence: nonsense. On other transcripts: intron variant (1).
Genome position (GRCh38, 1-based): chr16:68,819,374, G>T. VCF-style: chr16-68819374-G-T. GRCh37 (hg19) VCF-style: chr16-68853277-G-T.
Other names: c.1477G>T, p.Glu493Ter (NM_001317184.2); c.112G>T, p.Glu38Ter (NM_001317185.2); c.-254-2627G>T (NM_001317186.2); short protein forms E38*, E493*, E554*.
Identifiers: ClinVar variation 2583197 (VCV002583197.2), dbSNP rs566103420, ClinGen allele CA396465256.